The following is an entry in ClinVar:

ClinVar aggregate classification (germline): Uncertain significance (1 of 4 stars; one submission).

Conditions:
Charcot-Marie-Tooth disease axonal type 2O. Also called: CHARCOT-MARIE-TOOTH NEUROPATHY, AXONAL, TYPE 2O; CHARCOT-MARIE-TOOTH DISEASE, AXONAL, AUTOSOMAL DOMINANT, TYPE 2O; Charcot-Marie-Tooth Neuropathy Type 2O; Charcot-Marie-Tooth disease, axonal, type 20. Identifiers: Orphanet 284232, MedGen C3280220, MONDO:0013644, OMIM 614228.

Submission:

Labcorp Genetics (formerly Invitae), Labcorp
Classification: Uncertain significance for Charcot-Marie-Tooth disease axonal type 2O. Last evaluated: 2021-10-17. Review status: criteria provided, single submitter. Criteria: Invitae Variant Classification Sherloc (09022015). Collection method: clinical testing. Allele origin: germline.
Comment: In summary, the available evidence is currently insufficient to determine the role of this variant in disease. Therefore, it has been classified as a Variant of Uncertain Significance. Algorithms developed to predict the effect of missense changes on protein structure and function (SIFT, PolyPhen-2, Align-GVGD) all suggest that this variant is likely to be disruptive. This variant has not been reported in the literature in individuals affected with DYNC1H1-related conditions. This variant is not present in population databases (ExAC no frequency). This sequence change replaces valine with alanine at codon 1187 of the DYNC1H1 protein (p.Val1187Ala). The valine residue is highly conserved and there is a small physicochemical difference between valine and alanine.

NM_001376.5(DYNC1H1):c.3560T>C (p.Val1187Ala)

Gene: DYNC1H1 (dynein cytoplasmic 1 heavy chain 1; plus strand). Cytogenetic location: 14q32.31.
Variant type: single nucleotide variant.
Coding change: c.3560T>C on transcript NM_001376.5 (MANE Select); coding-DNA position 3560, T replaced by C.
Protein change: p.Val1187Ala; replaces valine 1187 with alanine.
Molecular consequence: missense variant.
Genome position (GRCh38, 1-based): chr14:101,995,296, T>C. VCF-style: chr14-101995296-T-C. GRCh37 (hg19) VCF-style: chr14-102461633-T-C.
Other names: short protein forms V1187A.
Identifiers: ClinVar variation 1361059 (VCV001361059.6), dbSNP rs2141281137, ClinGen allele CA391035498.
Genomic context (GRCh38, chr14:101,995,296, plus strand): 5'-TGACCTTCATCACCTATGTGCAGTCTTTGAAACGGAAGATCAAGCAGTTTGAGAAGCAAG[T>C]TGAGGTGAGCTCTGTGCATATTTAAAAATTTTTGGCTGGGCGTGGTGGCTCACGCCTGTA-3'
Protein context (NP_001367.2, residues 1177-1197): KRKIKQFEKQ[Val1187Ala]ELYRNGQRLL